The following is an entry in ClinVar:

NM_001282531.3(ADNP):c.1973A>G (p.Lys658Arg)

Gene: ADNP (activity dependent neuroprotector homeobox; minus strand). Cytogenetic location: 20q13.13.
Variant type: single nucleotide variant.
Coding change: c.1973A>G on transcript NM_001282531.3 (MANE Select); coding-DNA position 1973, A replaced by G.
Protein change: p.Lys658Arg; replaces lysine 658 with arginine.
Molecular consequence: missense variant.
Genome position (GRCh38, 1-based): chr20:50,892,741, T>C on the plus strand (A>G on the coding strand, the complement: ADNP is on the minus strand). VCF-style: chr20-50892741-T-C. GRCh37 (hg19) VCF-style: chr20-49509278-T-C.
Other names: c.1973A>G (NM_015339.2); c.1973A>G, p.Lys658Arg (NM_001282532.2, NM_001347511.2, NM_015339.5 and 1 more transcripts); short protein forms K658R.
Identifiers: ClinVar variation 2180592 (VCV002180592.5), dbSNP rs1362578726, ClinGen allele CA408971688.

ClinVar aggregate classification (germline): Uncertain significance. Review status: criteria provided, multiple submitters, no conflicts (2 of 4 stars). 2 submissions from 2 submitters: Uncertain significance (2). Last evaluated 2026-06-10.

Conditions:
Inborn genetic diseases. Identifiers: MedGen C0950123, MeSH D030342.

Allele frequency attached by ClinVar (database versions not stated): gnomAD exomes below 0.00001; TOPMed below 0.00001.
gnomAD v4.1: 2 of 1,614,242 alleles (0.00012%); highest among the groups gnomAD compares: Non-Finnish European, 0.00017%; no homozygotes.

Submissions (2):

Ambry Genetics
Classification: Uncertain significance for Inborn genetic diseases. Last evaluated: 2026-06-10. Review status: criteria provided, single submitter. Criteria: Ambry Variant Classification Scheme 2023. Collection method: clinical testing. Allele origin: germline.
Comment: The c.1973A>G (p.K658R) alteration is located in exon 5 (coding exon 3) of the ADNP gene. This alteration results from a A to G substitution at nucleotide position 1973, causing the lysine (K) at amino acid position 658 to be replaced by an arginine (R). Based on data from gnomAD, the G allele has an overall frequency of <0.001% (1/251362) total alleles studied. The highest observed frequency was 0.001% (1/113646) of European (non-Finnish) alleles. Based on insufficient or conflicting evidence, the clinical significance of this alteration remains unclear.

Labcorp Genetics (formerly Invitae), Labcorp
Classification: Uncertain significance. Last evaluated: 2024-10-22. Review status: criteria provided, single submitter. Criteria: Invitae Variant Classification Sherloc (09022015). Collection method: clinical testing. Allele origin: germline.
Comment: This sequence change replaces lysine, which is basic and polar, with arginine, which is basic and polar, at codon 658 of the ADNP protein (p.Lys658Arg). This variant is present in population databases (no rsID available, gnomAD 0.0009%). This variant has not been reported in the literature in individuals affected with ADNP-related conditions. ClinVar contains an entry for this variant (Variation ID: 2180592). An algorithm developed to predict the effect of missense changes on protein structure and function (PolyPhen-2) suggests that this variant is likely to be disruptive. In summary, the available evidence is currently insufficient to determine the role of this variant in disease. Therefore, it has been classified as a Variant of Uncertain Significance.